The following is an entry in ClinVar:

ClinVar aggregate classification (germline): Pathogenic (1 of 4 stars; one submission).

Conditions:
Hereditary spastic paraplegia 49 (HSAN9). Also called: TECPR2-Related Hereditary Sensory and Autonomic Neuropathy with Intellectual Disability; NEUROPATHY, HEREDITARY SENSORY AND AUTONOMIC, TYPE IX, WITH DEVELOPMENTAL DELAY; Spastic paraplegia 49, autosomal recessive. Identifiers: Orphanet 320385, MedGen C5190860, MONDO:0014016, OMIM 615031.

Submission:

Labcorp Genetics (formerly Invitae), Labcorp
Classification: Pathogenic for Hereditary spastic paraplegia 49. Last evaluated: 2022-04-21. Review status: criteria provided, single submitter. Criteria: Invitae Variant Classification Sherloc (09022015). Collection method: clinical testing. Allele origin: germline.
Comment: For these reasons, this variant has been classified as Pathogenic. This variant has not been reported in the literature in individuals affected with TECPR2-related conditions. This variant is not present in population databases (gnomAD no frequency). This sequence change creates a premature translational stop signal (p.Glu491*) in the TECPR2 gene. It is expected to result in an absent or disrupted protein product. Loss-of-function variants in TECPR2 are known to be pathogenic (PMID: 23176824, 25590979).

Literature cited by the submitters: PubMed 23176824; PubMed 25590979.

NM_014844.5(TECPR2):c.1470_1471insT (p.Glu491Ter)

Gene: TECPR2 (tectonin beta-propeller repeat containing 2; plus strand). Cytogenetic location: 14q32.31.
Variant type: Insertion.
Coding change: c.1470_1471insT on transcript NM_014844.5 (MANE Select); coding-DNA positions 1470 to 1471, T inserted.
Protein change: p.Glu491Ter; replaces glutamic acid 491 with a stop codon.
Molecular consequence: nonsense.
Genome position: GRCh38 VCF-style: chr14-102434287-C-CT. GRCh37 (hg19) VCF-style: chr14-102900624-C-CT.
Other names: c.1470_1471insT, p.Glu491Ter (NM_001172631.3); short protein forms E491*.
Identifiers: ClinVar variation 1943704 (VCV001943704.5), dbSNP rs2504423596, ClinGen allele CA2580088486.
Genomic context (GRCh38, chr14:102,434,287, plus strand): 5'-TGAATTAGAAGGTGGAAGCAGGAGCACCTGTCACAGCTCCCTGGAATCGACACCCTGCTC[C>CT]GAATTTCCTGGGGACAGTCCCCAGTCCTTGAACACAGACTTGCTGTCGATGACCTCAAGT-3'